The following is an entry in ClinVar:

ClinVar aggregate classification (germline): Pathogenic (1 of 4 stars; one submission).

Submission:

Labcorp Genetics (formerly Invitae), Labcorp
Classification: Pathogenic. Last evaluated: 2020-07-21. Review status: criteria provided, single submitter. Criteria: Invitae Variant Classification Sherloc (09022015). Collection method: clinical testing. Allele origin: germline.
Comment: This sequence change creates a premature translational stop signal (p.Tyr441*) in the TPP1 gene. It is expected to result in an absent or disrupted protein product. This variant is not present in population databases (ExAC no frequency). This variant has not been reported in the literature in individuals with TPP1-related conditions. Loss-of-function variants in TPP1 are known to be pathogenic (PMID: 10330339). For these reasons, this variant has been classified as Pathogenic.

Literature cited by the submitters: PubMed 10330339.

NM_000391.4(TPP1):c.1323_1326del (p.Ser440_Tyr441insTer)

Gene: TPP1 (tripeptidyl peptidase 1; minus strand). Cytogenetic location: 11p15.4.
Variant type: Deletion.
Coding change: c.1323_1326del on transcript NM_000391.4 (MANE Select); coding-DNA positions 1323 to 1326, 4 bases deleted (CTTC; older notation c.1323_1326delCTTC).
Protein change: p.Ser440_Tyr441insTer.
Molecular consequence: nonsense.
Genome position (GRCh38, 1-based): chr11:6,615,270-6,615,273, GAAG deleted on the plus strand (CTTC on the coding strand, the reverse complement: TPP1 is on the minus strand). VCF-style (leftmost placement, unchanged base first): chr11-6615269-TGAAG-T. GRCh37 (hg19) VCF-style: chr11-6636500-TGAAG-T.
Identifiers: ClinVar variation 1074191 (VCV001074191.7), dbSNP rs2134591716, ClinGen allele CA2499221175.